The following is an entry in ClinVar:

NM_003072.5(SMARCA4):c.3168+8C>T

Gene: SMARCA4 (SWI/SNF related BAF chromatin remodeling complex subunit ATPase 4; plus strand). Cytogenetic location: 19p13.2.
Variant type: single nucleotide variant.
Coding change: c.3168+8C>T on transcript NM_003072.5 (MANE Select); 8 bases into the intron after coding-DNA position 3168, C replaced by T.
Molecular consequence: intron variant.
Genome position (GRCh38, 1-based): chr19:11,025,516, C>T. VCF-style: chr19-11025516-C-T. GRCh37 (hg19) VCF-style: chr19-11136192-C-T.
Other names: c.3168+8C>T (NM_001128844.3, NM_001128849.3, NM_001128847.4 and 5 more transcripts).
Identifiers: ClinVar variation 238424 (VCV000238424.12), dbSNP rs200658539, ClinGen allele CA9204331.

ClinVar aggregate classification (germline): Benign/Likely benign. Review status: criteria provided, multiple submitters, no conflicts (2 of 4 stars). 2 submissions from 2 submitters: Benign (1); Likely benign (1). Last evaluated 2026-07-14.

Conditions:
Rhabdoid tumor predisposition syndrome 2 (RTPS2). Identifiers: Orphanet 231108, Orphanet 69077, MedGen C2750074, MONDO:0013224, OMIM 613325.

Allele frequency attached by ClinVar (database versions not stated): ExAC 0.00002; gnomAD 0.00002 and 0.00003; ESP Exome Variant Server 0.00008; gnomAD exomes 0.00003; TOPMed 0.00005.
gnomAD v4.1: 42 of 1,610,022 alleles (0.0026%); highest among the groups gnomAD compares: Non-Finnish European, 0.0032%; no homozygotes.

Submissions (2):

Myriad Genetics, Inc.
Classification: Benign for Rhabdoid tumor predisposition syndrome 2. Last evaluated: 2026-07-14. Review status: criteria provided, single submitter. Criteria: Myriad Autosomal Dominant, Autosomal Recessive and X-Linked Classification Criteria (2023). Collection method: clinical testing. Allele origin: unknown.
Comment: This variant is considered benign. This variant is intronic and is not expected to impact mRNA splicing. This variant has been observed at a population frequency that is significantly greater than expected given the associated disease prevalence and penetrance.

Labcorp Genetics (formerly Invitae), Labcorp
Classification: Likely benign for Rhabdoid tumor predisposition syndrome 2. Last evaluated: 2026-02-01. Review status: criteria provided, single submitter. Criteria: Invitae Variant Classification Sherloc (09022015). Collection method: clinical testing. Allele origin: germline.